The following is an entry in ClinVar:

ClinVar aggregate classification (germline): Uncertain significance (1 of 4 stars; one submission).

Conditions:
Dilated cardiomyopathy 1W (CMD1W). Identifiers: Orphanet 154, MedGen C1969639, MONDO:0012667, OMIM 611407.

gnomAD v4.1: 1 of 1,614,148 alleles (0.000062%); highest among the groups gnomAD compares: South Asian, 0.0011%; no homozygotes.

Submission:

Labcorp Genetics (formerly Invitae), Labcorp
Classification: Uncertain significance for Dilated cardiomyopathy 1W. Last evaluated: 2025-08-25. Review status: criteria provided, single submitter. Criteria: Invitae Variant Classification Sherloc (09022015). Collection method: clinical testing. Allele origin: germline.
Comment: This sequence change replaces threonine, which is neutral and polar, with alanine, which is neutral and non-polar, at codon 603 of the VCL protein (p.Thr603Ala). This variant is present in population databases (rs753788366, gnomAD 0.003%). This variant has not been reported in the literature in individuals affected with VCL-related conditions. An algorithm developed to predict the effect of missense changes on protein structure and function (PolyPhen-2) suggests that this variant is likely to be disruptive. In summary, the available evidence is currently insufficient to determine the role of this variant in disease. Therefore, it has been classified as a Variant of Uncertain Significance.

NM_014000.3(VCL):c.1807A>G (p.Thr603Ala)

Gene: VCL (vinculin; plus strand). Cytogenetic location: 10q22.2.
Variant type: single nucleotide variant.
Coding change: c.1807A>G on transcript NM_014000.3 (MANE Select); coding-DNA position 1807, A replaced by G.
Protein change: p.Thr603Ala; replaces threonine 603 with alanine.
Molecular consequence: missense variant.
Genome position (GRCh38, 1-based): chr10:74,097,267, A>G. VCF-style: chr10-74097267-A-G. GRCh37 (hg19) VCF-style: chr10-75857025-A-G.
Other names: c.1807A>G, p.Thr603Ala (NM_003373.4); short protein forms T603A.
Identifiers: ClinVar variation 4770236 (VCV004770236.1).